The following is an entry in ClinVar:

NM_025137.4(SPG11):c.6306_6307insC (p.Lys2103fs)

Gene: SPG11 (SPG11 vesicle trafficking associated, spatacsin; minus strand). Cytogenetic location: 15q21.1.
Variant type: Insertion.
Coding change: c.6306_6307insC on transcript NM_025137.4 (MANE Select); coding-DNA positions 6306 to 6307, C inserted.
Protein change: p.Lys2103fs; shifts the reading frame from lysine 2103.
Molecular consequence: frameshift variant.
Genome position: GRCh38 VCF-style: chr15-44572719-T-TG. GRCh37 (hg19) VCF-style: chr15-44864917-T-TG.
Other names: c.5967_5968insC, p.Lys1990fs (NM_001160227.2); c.6162_6163insC, p.Lys2055fs (NM_001411132.1); short protein forms K1990fs, K2103fs, K2055fs.
Identifiers: ClinVar variation 2708309 (VCV002708309.3), dbSNP rs2505221225, ClinGen allele CA2697554241.

ClinVar aggregate classification (germline): Pathogenic (1 of 4 stars; one submission).

Conditions:
Hereditary spastic paraplegia 11. Also called: Nakamura Osame syndrome; Autosomal recessive hereditary spastic paraplegia, mental impairment, and thin corpus callosum; SPASTIC PARAPLEGIA, AUTOSOMAL RECESSIVE, COMPLICATED, WITH THIN CORPUS CALLOSUM; SPASTIC PARAPLEGIA, AUTOSOMAL RECESSIVE, WITH MENTAL IMPAIRMENT AND THIN CORPUS CALLOSUM; Spastic Paraplegia 11; Spastic paraplegia, mental retardation and thin corpus callosum. Identifiers: Orphanet 2822, MedGen C1858479, MONDO:0011445, OMIM 604360.

Submission:

Labcorp Genetics (formerly Invitae), Labcorp
Classification: Pathogenic for Hereditary spastic paraplegia 11. Last evaluated: 2024-01-08. Review status: criteria provided, single submitter. Criteria: Invitae Variant Classification Sherloc (09022015). Collection method: clinical testing. Allele origin: germline.
Comment: This sequence change creates a premature translational stop signal (p.Lys2103Glnfs*46) in the SPG11 gene. It is expected to result in an absent or disrupted protein product. Loss-of-function variants in SPG11 are known to be pathogenic (PMID: 19105190, 20110243, 22154821, 26556829). This variant is not present in population databases (gnomAD no frequency). This variant has not been reported in the literature in individuals affected with SPG11-related conditions. For these reasons, this variant has been classified as Pathogenic.

Literature cited by the submitters: PubMed 19105190; PubMed 20110243; PubMed 22154821; PubMed 26556829.